The following is an entry in ClinVar:

NM_024741.3(ZNF408):c.1856C>T (p.Pro619Leu)

Gene: ZNF408 (zinc finger protein 408; plus strand). Cytogenetic location: 11p11.2.
Variant type: single nucleotide variant.
Coding change: c.1856C>T on transcript NM_024741.3 (MANE Select); coding-DNA position 1856, C replaced by T.
Protein change: p.Pro619Leu; replaces proline 619 with leucine.
Molecular consequence: missense variant.
Genome position (GRCh38, 1-based): chr11:46,705,556, C>T. VCF-style: chr11-46705556-C-T. GRCh37 (hg19) VCF-style: chr11-46727106-C-T.
Other names: c.1832C>T, p.Pro611Leu (NM_001184751.2); c.1856C>T (NM_024741.2); short protein forms P619L, P611L.
Identifiers: ClinVar variation 1036750 (VCV001036750.10), dbSNP rs778258221, ClinGen allele CA5966657.

ClinVar aggregate classification (germline): Uncertain significance. Review status: criteria provided, multiple submitters, no conflicts (2 of 4 stars). 3 submissions from 3 submitters: Uncertain significance (3). Last evaluated 2025-07-16.

Conditions:
Inborn genetic diseases. Identifiers: MedGen C0950123, MeSH D030342.

Allele frequency attached by ClinVar (database versions not stated): gnomAD 0.00001; gnomAD exomes 0.00001 and 0.00004; ExAC 0.00002; TOPMed 0.00002.

Submissions (3):

Ambry Genetics
Classification: Uncertain significance for Inborn genetic diseases. Last evaluated: 2025-07-16. Review status: criteria provided, single submitter. Criteria: Ambry Variant Classification Scheme 2023. Collection method: clinical testing. Allele origin: germline.

Labcorp Genetics (formerly Invitae), Labcorp
Classification: Uncertain significance. Last evaluated: 2025-01-11. Review status: criteria provided, single submitter. Criteria: Invitae Variant Classification Sherloc (09022015). Collection method: clinical testing. Allele origin: germline.
Comment: This sequence change replaces proline, which is neutral and non-polar, with leucine, which is neutral and non-polar, at codon 619 of the ZNF408 protein (p.Pro619Leu). This variant is present in population databases (rs778258221, gnomAD 0.007%). This variant has not been reported in the literature in individuals affected with ZNF408-related conditions. ClinVar contains an entry for this variant (Variation ID: 1036750). An algorithm developed to predict the effect of missense changes on protein structure and function outputs the following: PolyPhen-2: "Benign". The leucine amino acid residue is found in multiple mammalian species, which suggests that this missense change does not adversely affect protein function. In summary, the available evidence is currently insufficient to determine the role of this variant in disease. Therefore, it has been classified as a Variant of Uncertain Significance.

Blueprint Genetics
Classification: Uncertain significance. Last evaluated: 2023-12-19. Review status: criteria provided, single submitter. Criteria: ACMG Guidelines, 2015. Collection method: clinical testing. Allele origin: germline.